The following is an entry in ClinVar:

ClinVar aggregate classification (germline): Conflicting classifications of pathogenicity. Review status: criteria provided, conflicting classifications (1 of 4 stars). 8 submissions from 8 submitters: Uncertain significance (1); Likely benign (6). 1 of the submissions does not count toward it. Last evaluated 2026-09-21.

Conditions:
Alstrom syndrome (ALMS). Identifiers: Orphanet 64, MedGen C0268425, MONDO:0008763, OMIM 203800.
Cardiovascular phenotype. Identifiers: MedGen CN230736.
ALMS1-related disorder. Also called: ALMS1-related condition.

Allele frequency attached by ClinVar (database versions not stated): gnomAD 0.00003 and 0.00004; TOPMed 0.00005; gnomAD exomes 0.00007 and 0.00017; ExAC 0.00012.
gnomAD v4.1: 48 of 1,613,984 alleles (0.003%); highest among the groups gnomAD compares: Admixed American, 0.078%; no homozygotes.

Submissions (8):

PreventionGenetics, part of Exact Sciences
Classification: Likely benign for ALMS1-related condition. Last evaluated: 2026-09-21. Review status: criteria provided, single submitter. Criteria: ACMG Guidelines, 2015. Collection method: clinical testing. Allele origin: germline.
Comment: This variant is classified as likely benign based on ACMG/AMP sequence variant interpretation guidelines (Richards et al. 2015 PMID: 25741868, with internal and published modifications).

Labcorp Genetics (formerly Invitae), Labcorp
Classification: Likely benign for Alstrom syndrome. Last evaluated: 2026-01-26. Review status: criteria provided, single submitter. Criteria: Invitae Variant Classification Sherloc (09022015). Collection method: clinical testing. Allele origin: germline.

Blueprint Genetics
Classification: Likely benign. Last evaluated: 2022-09-05. Review status: criteria provided, single submitter. Criteria: ACMG Guidelines, 2015. Collection method: clinical testing. Allele origin: germline.

Ambry Genetics
Classification: Likely benign for Cardiovascular phenotype. Last evaluated: 2021-06-14. Review status: criteria provided, single submitter. Criteria: Ambry Variant Classification Scheme 2023. Collection method: clinical testing. Allele origin: germline.

GeneDx
Classification: Likely benign. Last evaluated: 2020-02-18. Review status: criteria provided, single submitter. Criteria: GeneDx Variant Classification Process June 2021. Collection method: clinical testing. Allele origin: germline. Affected: yes.

Eurofins Ntd Llc (ga)
Classification: Uncertain significance. Last evaluated: 2018-03-12. Review status: criteria provided, single submitter. Criteria: EGL ClinVar v180209 classification definitions. Collection method: clinical testing. Allele origin: germline. Observed: 1 variant allele, 1 heterozygote.

Laboratory for Molecular Medicine, Mass General Brigham Personalized Medicine
Classification: Likely benign. Last evaluated: 2017-08-23. Review status: criteria provided, single submitter. Criteria: LMM Criteria. Collection method: clinical testing. Allele origin: germline. Observed: 1 variant allele.
Comment: p.Glu3820Glu in exon 16 of ALMS1: This variant is not expected to have clinical significance because it does not alter an amino acid residue and is not located within the splice consensus sequence. It has been identified in 0.13% (15/11466) of Latino chromosomes by the Exome Aggregation Consortium (ExAC; dbSNP rs750087396).

Natera, Inc.
Classification: Likely benign for Alstrom syndrome. Last evaluated: 2019-10-28. Review status: no assertion criteria provided. Collection method: clinical testing. Allele origin: germline. Not counted in ClinVar's aggregate classification.

NM_001378454.1(ALMS1):c.11463G>A (p.Glu3821=)

Gene: ALMS1 (ALMS1 centrosome and basal body associated protein; plus strand). Cytogenetic location: 2p13.1.
Variant type: single nucleotide variant.
Coding change: c.11463G>A on transcript NM_001378454.1 (MANE Select); coding-DNA position 11463, G replaced by A.
Protein change: p.Glu3821=; no amino-acid change (glutamic acid 3821 retained).
Molecular consequence: synonymous variant.
Genome position (GRCh38, 1-based): chr2:73,573,340, G>A. VCF-style: chr2-73573340-G-A. GRCh37 (hg19) VCF-style: chr2-73800467-G-A.
Other names: c.11460G>A (NM_015120.4); c.11466G>A, p.Glu3822= (NM_015120.4).
Identifiers: ClinVar variation 596355 (VCV000596355.29), dbSNP rs750087396, ClinGen allele CA1715200.